The following is an entry in ClinVar:

NM_207122.2(EXT2):c.755A>G (p.Tyr252Cys)

Gene: EXT2 (exostosin glycosyltransferase 2; plus strand). Cytogenetic location: 11p11.2.
Variant type: single nucleotide variant.
Coding change: c.755A>G on transcript NM_207122.2 (MANE Select); coding-DNA position 755, A replaced by G.
Protein change: p.Tyr252Cys; replaces tyrosine 252 with cysteine.
Molecular consequence: missense variant.
Genome position (GRCh38, 1-based): chr11:44,124,800, A>G. VCF-style: chr11-44124800-A-G. GRCh37 (hg19) VCF-style: chr11-44146350-A-G.
Other names: c.854A>G, p.Tyr285Cys (NM_000401.3); c.755A>G, p.Tyr252Cys (NM_001178083.3, NM_001389628.1, NM_001389630.1); short protein forms Y252C, Y285C.
Identifiers: ClinVar variation 2483499 (VCV002483499.5), dbSNP rs2539562587, ClinGen allele CA380166658.

ClinVar aggregate classification (germline): Uncertain significance. Review status: criteria provided, multiple submitters, no conflicts (2 of 4 stars). 2 submissions from 2 submitters: Uncertain significance (2). Last evaluated 2023-02-14.

Conditions:
Exostoses, multiple, type 2 (EXT2). Also called: Hereditary Multiple Osteochondromatosis, Type II; EXOSTOSES, MULTIPLE, TYPE II. Identifiers: Orphanet 321, MedGen C1851413, MONDO:0007586, OMIM 133701.
Inborn genetic diseases. Identifiers: MedGen C0950123, MeSH D030342.

gnomAD v4.1: 4 of 1,614,062 alleles (0.00025%); highest among the groups gnomAD compares: Non-Finnish European, 0.00034%; no homozygotes.

Submissions (2):

Ambry Genetics
Classification: Uncertain significance for Inborn genetic diseases. Last evaluated: 2023-02-14. Review status: criteria provided, single submitter. Criteria: Ambry Variant Classification Scheme 2023. Collection method: clinical testing. Allele origin: germline.

Labcorp Genetics (formerly Invitae), Labcorp
Classification: Uncertain significance for Exostoses, multiple, type 2. Last evaluated: 2022-12-31. Review status: criteria provided, single submitter. Criteria: Invitae Variant Classification Sherloc (09022015). Collection method: clinical testing. Allele origin: germline.
Comment: In summary, the available evidence is currently insufficient to determine the role of this variant in disease. Therefore, it has been classified as a Variant of Uncertain Significance. Advanced modeling of protein sequence and biophysical properties (such as structural, functional, and spatial information, amino acid conservation, physicochemical variation, residue mobility, and thermodynamic stability) has been performed at Invitae for this missense variant, however the output from this modeling did not meet the statistical confidence thresholds required to predict the impact of this variant on EXT2 protein function. This variant has not been reported in the literature in individuals affected with EXT2-related conditions. This variant is not present in population databases (gnomAD no frequency). This sequence change replaces tyrosine, which is neutral and polar, with cysteine, which is neutral and slightly polar, at codon 252 of the EXT2 protein (p.Tyr252Cys).